The following is an entry in ClinVar:

NM_000540.3(RYR1):c.7215-10T>G

Gene: RYR1 (ryanodine receptor 1; plus strand). Cytogenetic location: 19q13.2.
Variant type: single nucleotide variant.
Coding change: c.7215-10T>G on transcript NM_000540.3 (MANE Select); 10 bases into the intron before coding-DNA position 7215, T replaced by G.
Molecular consequence: intron variant.
Genome position (GRCh38, 1-based): chr19:38,499,898, T>G. VCF-style: chr19-38499898-T-G. GRCh37 (hg19) VCF-style: chr19-38990538-T-G.
Other names: c.7215-10T>G (NM_001042723.2).
Identifiers: ClinVar variation 3071226 (VCV003071226.1), dbSNP rs1970028104, ClinGen allele CA2825002780.

ClinVar aggregate classification (germline): Uncertain significance (1 of 4 stars; one submission).

Conditions:
Malignant hyperthermia, susceptibility to, 1 (MHS1). Also called: Anesthesia related hyperthermia; Malignant hyperpyrexia; Fulminating hyperpyrexia; Pharmacogenic myopathy; RYR1-Related Malignant Hyperthermia Susceptibility; Malignant hyperthermia suceptibility 1. Identifiers: Orphanet 423, MedGen C2930980, MONDO:0007783, OMIM 145600.

Submission:

All of Us Research Program, National Institutes of Health
Classification: Uncertain significance for Malignant hyperthermia, susceptibility to, 1. Last evaluated: 2023-11-30. Review status: criteria provided, single submitter. Criteria: ACMG Guidelines, 2015. Collection method: clinical testing. Allele origin: germline. Inheritance: Autosomal dominant inheritance. Observed: 1 variant allele, 1 heterozygote.
Comment: This variant causes a T to G nucleotide substitution at the -10 position of intron 44 of the RYR1 gene. To our knowledge, functional studies have not been reported for this variant. This variant has not been reported in individuals affected with RYR1-related disorders in the literature. This variant has not been identified in the general population by the Genome Aggregation Database (gnomAD). The available evidence is insufficient to determine the role of this variant in disease conclusively. Therefore, this variant is classified as a Variant of Uncertain Significance.

This study involves interpretation of variants in research participants for the purpose of population health screening. Participant phenotype was not available at the time of variant classification. Additional details can be found in publication PMID: 35346344, PMCID: PMC8962531